The following is an entry in ClinVar:

NC_000021.8:g.(?_34638751)_(34809289_?)dup

Genes: IFNAR1 (interferon alpha and beta receptor subunit 1; plus strand), IFNGR2 (interferon gamma receptor 2; plus strand), IL10RB (interleukin 10 receptor subunit beta; plus strand), TMEM50B (transmembrane protein 50B; minus strand). Cytogenetic location: 21q22.11.
Variant type: Duplication.
Identifiers: ClinVar variation 541805 (VCV000541805.3).

ClinVar aggregate classification (germline): Uncertain significance (1 of 4 stars; one submission).

Conditions:
Immunodeficiency 28 (IMD28). Also called: IFNGR2 DEFICIENCY. Identifiers: Orphanet 319547, Orphanet 319574, MedGen C4013947, MONDO:0013953, OMIM 614889.

Submission:

Labcorp Genetics (formerly Invitae), Labcorp
Classification: Uncertain significance for Immunodeficiency 28. Last evaluated: 2019-12-23. Review status: criteria provided, single submitter. Criteria: Invitae Variant Classification Sherloc (09022015). Collection method: clinical testing. Allele origin: germline.
Comment: This variant results in a copy number gain of the genomic region encompassing the full coding sequence of the IFNGR2 gene. The boundaries of this event are unknown as they extend beyond the assayed region for this gene and therefore may encompass additional genes. As the precise location of this event is unknown, it may be in tandem or it may be located elsewhere in the genome. This variant has not been reported in the literature in individuals with IFNGR2-related disease. In summary, the available evidence is currently insufficient to determine the role of this variant in disease. Therefore, it has been classified as a Variant of Uncertain Significance.